The following is an entry in ClinVar:

ClinVar aggregate classification (germline): Uncertain significance (1 of 4 stars; one submission).

Conditions:
Hereditary spastic paraplegia 47. Also called: Spastic paraplegia 47, autosomal recessive; CEREBRAL PALSY, SPASTIC QUADRIPLEGIC, 5; adaptor protein 4 (AP-4) deficiency syndrome. Identifiers: Orphanet 280763, MedGen C3279738, MONDO:0013551, OMIM 614066.

Allele frequency attached by ClinVar (database versions not stated): ExAC 0.00001; gnomAD 0.00001; gnomAD exomes 0.00001; TOPMed 0.00002.
gnomAD v4.1: 11 of 1,613,136 alleles (0.00068%); highest among the groups gnomAD compares: South Asian, 0.0055%; no homozygotes.

Submission:

Labcorp Genetics (formerly Invitae), Labcorp
Classification: Uncertain significance for Hereditary spastic paraplegia 47. Last evaluated: 2024-02-24. Review status: criteria provided, single submitter. Criteria: Invitae Variant Classification Sherloc (09022015). Collection method: clinical testing. Allele origin: germline.
Comment: This sequence change replaces arginine, which is basic and polar, with glutamine, which is neutral and polar, at codon 107 of the AP4B1 protein (p.Arg107Gln). This variant is present in population databases (rs768358629, gnomAD 0.01%). This variant has not been reported in the literature in individuals affected with AP4B1-related conditions. ClinVar contains an entry for this variant (Variation ID: 2153606). Advanced modeling of protein sequence and biophysical properties (such as structural, functional, and spatial information, amino acid conservation, physicochemical variation, residue mobility, and thermodynamic stability) performed at Invitae indicates that this missense variant is expected to disrupt AP4B1 protein function with a positive predictive value of 80%. In summary, the available evidence is currently insufficient to determine the role of this variant in disease. Therefore, it has been classified as a Variant of Uncertain Significance.

NM_001253852.3(AP4B1):c.320G>A (p.Arg107Gln)

Gene: AP4B1 (adaptor related protein complex 4 subunit beta 1; minus strand). Cytogenetic location: 1p13.2.
Variant type: single nucleotide variant.
Coding change: c.320G>A on transcript NM_001253852.3 (MANE Select); coding-DNA position 320, G replaced by A.
Protein change: p.Arg107Gln; replaces arginine 107 with glutamine.
Molecular consequence: missense variant. On other transcripts: intron variant (1).
Genome position (GRCh38, 1-based): chr1:113,902,656, C>T on the plus strand (G>A on the coding strand, the complement: AP4B1 is on the minus strand). VCF-style: chr1-113902656-C-T. GRCh37 (hg19) VCF-style: chr1-114445278-C-T.
Other names: c.23G>A, p.Arg8Gln (NM_001253853.3); c.320G>A, p.Arg107Gln (NM_006594.5); c.113+1949G>A (NM_001308312.2); short protein forms R107Q, R8Q.
Identifiers: ClinVar variation 2153606 (VCV002153606.3), dbSNP rs768358629, ClinGen allele CA1016138.